The following is an entry in ClinVar:

ClinVar aggregate classification (germline): Uncertain significance. Review status: criteria provided, multiple submitters, no conflicts (2 of 4 stars). 2 submissions from 2 submitters: Uncertain significance (2). Last evaluated 2024-05-22.

Conditions:
Hypertrophic cardiomyopathy. Also called: HYPERTROPHIC MYOCARDIOPATHY. Identifiers: Orphanet 217569, MedGen C0007194, MeSH D002312, MONDO:0005045, HP:0001639.
Cardiomyopathy (CMYO). Also called: Cardiomyopathies. Identifiers: Orphanet 167848, MedGen C0878544, MONDO:0004994, HP:0001638. Inheritance: Various modes of inheritance.

Allele frequency attached by ClinVar (database versions not stated): gnomAD exomes below 0.00001.
gnomAD v4.1: 1 of 1,613,866 alleles (0.000062%); highest among the groups gnomAD compares: Non-Finnish European, 0.000085%; no homozygotes.

Submissions (2):

Labcorp Genetics (formerly Invitae), Labcorp
Classification: Uncertain significance for Hypertrophic cardiomyopathy. Last evaluated: 2024-05-22. Review status: criteria provided, single submitter. Criteria: Invitae Variant Classification Sherloc (09022015). Collection method: clinical testing. Allele origin: germline.
Comment: This sequence change replaces leucine, which is neutral and non-polar, with proline, which is neutral and non-polar, at codon 1221 of the MYBPC3 protein (p.Leu1221Pro). This variant is not present in population databases (gnomAD no frequency). This variant has not been reported in the literature in individuals affected with MYBPC3-related conditions. ClinVar contains an entry for this variant (Variation ID: 921046). An algorithm developed to predict the effect of missense changes on protein structure and function (PolyPhen-2) suggests that this variant is likely to be disruptive. In summary, the available evidence is currently insufficient to determine the role of this variant in disease. Therefore, it has been classified as a Variant of Uncertain Significance.

Color Diagnostics, LLC DBA Color Health
Classification: Uncertain significance for Cardiomyopathy. Last evaluated: 2023-12-05. Review status: criteria provided, single submitter. Criteria: ACMG Guidelines, 2015. Collection method: clinical testing. Allele origin: germline.
Comment: This missense variant replaces leucine with proline at codon 1221 of the MYBPC3 protein. Computational prediction tools and conservation analyses suggest that this variant may have deleterious impact on the protein function. Computational splicing tools suggest that this variant may not impact RNA splicing. To our knowledge, functional assays have not been performed for this variant nor has this variant been reported in individuals affected with cardiovascular disorders in the literature. This variant has not been identified in the general population by the Genome Aggregation Database (gnomAD). Available evidence is insufficient to determine the role of this variant in disease conclusively. Therefore, this variant is classified as a Variant of Uncertain Significance.

NM_000256.3(MYBPC3):c.3662T>C (p.Leu1221Pro)

Gene: MYBPC3 (myosin binding protein C3; minus strand). Cytogenetic location: 11p11.2.
Variant type: single nucleotide variant.
Coding change: c.3662T>C on transcript NM_000256.3 (MANE Select); coding-DNA position 3662, T replaced by C.
Protein change: p.Leu1221Pro; replaces leucine 1221 with proline.
Molecular consequence: missense variant.
Genome position (GRCh38, 1-based): chr11:47,332,224, A>G on the plus strand (T>C on the coding strand, the complement: MYBPC3 is on the minus strand). VCF-style: chr11-47332224-A-G. GRCh37 (hg19) VCF-style: chr11-47353775-A-G.
Other names: short protein forms L1221P.
Identifiers: ClinVar variation 921046 (VCV000921046.10), dbSNP rs2095877881, ClinGen allele CA380311701.
Genomic context (GRCh38, chr11:47,332,224, plus strand): 5'-CTAATCTCCAGAGTCAACACTCCCTGCTTGCTGAACATGCGGAAGCGGGCGTCTTCTCCC[A>G]GGTCCAGGCCATTCTTGAACCAGGAAATCTTGGGCTATAAATAAGGTAAAGAGAGGGAGG-3'
Protein context (NP_000247.2, residues 1211-1231): KISWFKNGLD[Leu1221Pro]GEDARFRMFS